The following is an entry in ClinVar:

NM_000540.3(RYR1):c.13717G>A (p.Ala4573Thr)

Gene: RYR1 (ryanodine receptor 1; plus strand). Cytogenetic location: 19q13.2.
Variant type: single nucleotide variant.
Coding change: c.13717G>A on transcript NM_000540.3 (MANE Select); coding-DNA position 13717, G replaced by A.
Protein change: p.Ala4573Thr; replaces alanine 4573 with threonine.
Molecular consequence: missense variant.
Genome position (GRCh38, 1-based): chr19:38,570,664, G>A. VCF-style: chr19-38570664-G-A. GRCh37 (hg19) VCF-style: chr19-39061304-G-A.
Other names: c.13702G>A, p.Ala4568Thr (NM_001042723.2); short protein forms A4568T, A4573T.
Identifiers: ClinVar variation 3385607 (VCV003385607.1).

ClinVar aggregate classification (germline): Uncertain significance (1 of 4 stars; one submission).

Conditions:
Malignant hyperthermia, susceptibility to, 1 (MHS1). Also called: Anesthesia related hyperthermia; Malignant hyperpyrexia; Fulminating hyperpyrexia; Pharmacogenic myopathy; Malignant hyperthermia suceptibility 1; RYR1-Related Malignant Hyperthermia Susceptibility. Identifiers: Orphanet 423, MedGen C2930980, MONDO:0007783, OMIM 145600.

Submission:

All of Us Research Program, National Institutes of Health
Classification: Uncertain significance for Malignant hyperthermia, susceptibility to, 1. Last evaluated: 2024-06-17. Review status: criteria provided, single submitter. Criteria: ACMG Guidelines, 2015. Collection method: clinical testing. Allele origin: germline. Inheritance: Autosomal dominant inheritance. Observed: 1 variant allele, 1 heterozygote.
Comment: This missense variant replaces alanine with threonine at codon 4573 of the RYR1 protein. Computational prediction suggests that this variant may have deleterious impact on protein structure and function (internally defined REVEL score threshold >= 0.7, PMID: 27666373). To our knowledge, functional studies have not been reported for this variant. This variant has not been reported in individuals affected with RYR1-related disorders in the literature. This variant has not been identified in the general population by the Genome Aggregation Database (gnomAD). The available evidence is insufficient to determine the role of this variant in disease conclusively. Therefore, this variant is classified as a Variant of Uncertain Significance.

This study involves interpretation of variants in research participants for the purpose of population health screening. Participant phenotype was not available at the time of variant classification. Additional details can be found in publication PMID: 35346344, PMCID: PMC8962531